The following is an entry in ClinVar:

ClinVar aggregate classification (germline): Likely pathogenic (1 of 4 stars; one submission).

gnomAD v4.1: 1 of 1,611,252 alleles (0.000062%); highest among the groups gnomAD compares: African/African-American, 0.0013%; no homozygotes.

Submission:

Labcorp Genetics (formerly Invitae), Labcorp
Classification: Likely pathogenic. Last evaluated: 2023-05-23. Review status: criteria provided, single submitter. Criteria: Invitae Variant Classification Sherloc (09022015). Collection method: clinical testing. Allele origin: germline.
Comment: This variant is not present in population databases (gnomAD no frequency). In summary, the currently available evidence indicates that the variant is pathogenic, but additional data are needed to prove that conclusively. Therefore, this variant has been classified as Likely Pathogenic. Algorithms developed to predict the effect of sequence changes on RNA splicing suggest that this variant may disrupt the consensus splice site. This variant has not been reported in the literature in individuals affected with RGS9-related conditions. This sequence change affects a donor splice site in intron 11 of the RGS9 gene. It is expected to disrupt RNA splicing. Variants that disrupt the donor or acceptor splice site typically lead to a loss of protein function (PMID: 16199547), and loss-of-function variants in RGS9 are known to be pathogenic (PMID: 11262419, 14702087).

Literature cited by the submitters: PubMed 16199547; PubMed 11262419; PubMed 14702087.

NM_003835.4(RGS9):c.746+1G>C

Gene: RGS9 (regulator of G protein signaling 9; plus strand). Cytogenetic location: 17q24.1.
Variant type: single nucleotide variant.
Coding change: c.746+1G>C on transcript NM_003835.4 (MANE Select); the canonical splice donor site of the intron after coding-DNA position 746, G replaced by C.
Molecular consequence: splice donor variant.
Genome position (GRCh38, 1-based): chr17:65,190,237, G>C. VCF-style: chr17-65190237-G-C. GRCh37 (hg19) VCF-style: chr17-63186355-G-C.
Other names: c.737+1G>C (NM_001081955.3, NM_001165933.2).
Identifiers: ClinVar variation 2990598 (VCV002990598.3), dbSNP rs745697064, ClinGen allele CA400665202.